The following is an entry in ClinVar:

NM_001081.4(CUBN):c.4350+5G>A

Gene: CUBN (cubilin; minus strand). Cytogenetic location: 10p13.
Variant type: single nucleotide variant.
Coding change: c.4350+5G>A on transcript NM_001081.4 (MANE Select); 5 bases into the intron after coding-DNA position 4350, G replaced by A.
Molecular consequence: intron variant.
Genome position (GRCh38, 1-based): chr10:16,990,329, C>T on the plus strand (G>A on the coding strand, the complement: CUBN is on the minus strand). VCF-style: chr10-16990329-C-T. GRCh37 (hg19) VCF-style: chr10-17032328-C-T.
Identifiers: ClinVar variation 800253 (VCV000800253.16), dbSNP rs200324164, ClinGen allele CA5424418.
Genomic context (GRCh38, chr10:16,990,329, plus strand): 5'-GCAGAGTGATTTCCTGTTCTACCCCAAACTTTGGAATGTGCTGAAAAAACCATCTCACTT[C>T]CTACCTCCAAGACATCAAAGTTGCACCTTGAATGATACTCCACATCGAAGTCATGGATGG-3'

ClinVar aggregate classification (germline): Conflicting classifications of pathogenicity. Review status: criteria provided, conflicting classifications (1 of 4 stars). 3 submissions from 3 submitters: Uncertain significance (1); Likely benign (1). 1 of the submissions does not count toward it. Last evaluated 2026-01-15.

Conditions:
Imerslund-Grasbeck syndrome. Also called: Imerslund-Gräsbeck syndrome; Megaloblastic anemia due to inborn errors of metabolism; ENTEROCYTE COBALAMIN MALABSORPTION; ENTEROCYTE INTRINSIC FACTOR RECEPTOR, DEFECT OF; PERNICIOUS ANEMIA, JUVENILE, DUE TO SELECTIVE INTESTINAL MALABSORPTION OF VITAMIN B12, WITH PROTEINURIA. Identifiers: Orphanet 35858, MedGen C4551825, MONDO:0009853.
Imerslund-Grasbeck syndrome type 1 (IGS1). Also called: Megaloblastic anemia 1, Finnish type; MEGALOBLASTIC ANEMIA, 1; Imerslund-Gräsbeck syndrome 1. Identifiers: MedGen C4016819, MONDO:0100156, OMIM 261100.
CUBN-related disorder. Also called: CUBN-related condition.

Allele frequency attached by ClinVar (database versions not stated): 1000 Genomes Project 0.00060; TOPMed 0.00045; 1000 Genomes Project 30x 0.00047.
gnomAD v4.1: 253 of 1,614,154 alleles (0.016%); highest among the groups gnomAD compares: Admixed American, 0.41%; 1 homozygote.

Submissions (3):

Labcorp Genetics (formerly Invitae), Labcorp
Classification: Likely benign for Imerslund-Grasbeck syndrome. Last evaluated: 2026-01-15. Review status: criteria provided, single submitter. Criteria: Invitae Variant Classification Sherloc (09022015). Collection method: clinical testing. Allele origin: germline.

Victorian Clinical Genetics Services, Murdoch Childrens Research Institute
Classification: Uncertain significance for Imerslund-Grasbeck syndrome type 1. Last evaluated: 2018-11-21. Review status: criteria provided, single submitter. Criteria: ACMG Guidelines, 2015. Collection method: clinical testing. Allele origin: unknown. Affected: yes.
Comment: A heterozygous splice-site variant, NM_001081.3(CUBN):c.4350+5G>A, has been identified in intron 29 of 66 of the CUBN gene. The effect of this variant on the protein sequence is unknown. The nucleotide at this position has high conservation (Phylop UCSC). In silico predictions for this variant are conflicting (Human splice finder, NetGene2, BDGB); further testing via RNA studies are required to confirm if splicing is altered. The variant is present in the gnomAD database at a frequency of 0.03% (80 heterozygotes, 0 homozygotes) but it has not been previously reported in clinical cases. Based on the information available at the time of curation, this variant has been classified as a VARIANT of UNCERTAIN SIGNIFICANCE (VUS).

PreventionGenetics, part of Exact Sciences
Classification: Likely benign for CUBN-related condition. Last evaluated: 2023-05-17. Review status: no assertion criteria provided. Collection method: clinical testing. Allele origin: germline. Not counted in ClinVar's aggregate classification.
Comment: This variant is classified as likely benign based on ACMG/AMP sequence variant interpretation guidelines (Richards et al. 2015 PMID: 25741868, with internal and published modifications).